The following is an entry in ClinVar:

NM_006859.4(LIAS):c.925T>C (p.Tyr309His)

Gene: LIAS (lipoic acid synthetase; plus strand). Cytogenetic location: 4p14.
Variant type: single nucleotide variant.
Coding change: c.925T>C on transcript NM_006859.4 (MANE Select); coding-DNA position 925, T replaced by C.
Protein change: p.Tyr309His; replaces tyrosine 309 with histidine.
Molecular consequence: missense variant.
Genome position (GRCh38, 1-based): chr4:39,471,277, T>C. VCF-style: chr4-39471277-T-C. GRCh37 (hg19) VCF-style: chr4-39472897-T-C.
Other names: c.796T>C, p.Tyr266His (NM_001278590.2); c.616T>C, p.Tyr206His (NM_001363700.2); c.925T>C, p.Tyr309His (NM_194451.3); short protein forms Y266H, Y206H, Y309H.
Identifiers: ClinVar variation 1989533 (VCV001989533.4), dbSNP rs2475011527, ClinGen allele CA356665545.
Genomic context (GRCh38, chr4:39,471,277, plus strand): 5'-TGTGCTTTTCTTCCTACAGCACTTCGTGAGGCAGATGTAGACTGCTTGACTTTAGGACAA[T>C]ATATGCAGCCAACAAGGCGTCACCTTAAGGTACATGTATCTTGATTTGCTTTTTTTTTTT-3'
Protein context (NP_006850.2, residues 299-319): ADVDCLTLGQ[Tyr309His]MQPTRRHLKV

ClinVar aggregate classification (germline): Uncertain significance (1 of 4 stars; one submission).

Conditions:
Lipoic acid synthetase deficiency. Also called: HYPERGLYCINEMIA, LACTIC ACIDOSIS, AND SEIZURES. Identifiers: Orphanet 401859, MedGen C3280887, MONDO:0013762, OMIM 614462.

Submission:

Labcorp Genetics (formerly Invitae), Labcorp
Classification: Uncertain significance for Lipoic acid synthetase deficiency. Last evaluated: 2022-05-15. Review status: criteria provided, single submitter. Criteria: Invitae Variant Classification Sherloc (09022015). Collection method: clinical testing. Allele origin: germline.
Comment: In summary, the available evidence is currently insufficient to determine the role of this variant in disease. Therefore, it has been classified as a Variant of Uncertain Significance. Algorithms developed to predict the effect of missense changes on protein structure and function (SIFT, PolyPhen-2, Align-GVGD) all suggest that this variant is likely to be disruptive. This variant has not been reported in the literature in individuals affected with LIAS-related conditions. This variant is not present in population databases (gnomAD no frequency). This sequence change replaces tyrosine, which is neutral and polar, with histidine, which is basic and polar, at codon 309 of the LIAS protein (p.Tyr309His).